The following is an entry in ClinVar:

ClinVar aggregate classification (germline): Uncertain significance. Review status: criteria provided, multiple submitters, no conflicts (2 of 4 stars). 2 submissions from 2 submitters: Uncertain significance (2). Last evaluated 2025-08-14.

gnomAD v4.1: 13 of 1,610,932 alleles (0.00081%); highest among the groups gnomAD compares: African/African-American, 0.0013%; no homozygotes.

Submissions (2):

Labcorp Genetics (formerly Invitae), Labcorp
Classification: Uncertain significance. Last evaluated: 2025-08-14. Review status: criteria provided, single submitter. Criteria: Invitae Variant Classification Sherloc (09022015). Collection method: clinical testing. Allele origin: germline.
Comment: This sequence change replaces arginine, which is basic and polar, with cysteine, which is neutral and slightly polar, at codon 865 of the ADAMTSL4 protein (p.Arg865Cys). The frequency data for this variant in the population databases is considered unreliable, as metrics indicate poor data quality at this position in the gnomAD database. This variant has not been reported in the literature in individuals affected with ADAMTSL4-related conditions. Invitae Evidence Modeling of protein sequence and biophysical properties (such as structural, functional, and spatial information, amino acid conservation, physicochemical variation, residue mobility, and thermodynamic stability) has been performed for this missense variant. However, the output from this modeling did not meet the statistical confidence thresholds required to predict the impact of this variant on ADAMTSL4 protein function. This variant disrupts the p.Arg865 amino acid residue in ADAMTSL4. Other variant(s) that disrupt this residue have been determined to be pathogenic (PMID: 24802351, 26653794). This suggests that this residue is clinically significant, and that variants that disrupt this residue are likely to be disease-causing. In summary, the available evidence is currently insufficient to determine the role of this variant in disease. Therefore, it has been classified as a Variant of Uncertain Significance.

Blueprint Genetics
Classification: Uncertain significance. Last evaluated: 2024-08-23. Review status: criteria provided, single submitter. Criteria: ACMG Guidelines, 2015. Collection method: clinical testing. Allele origin: germline.

Literature cited by the submitters: PubMed 24802351 (cited by Labcorp Genetics (formerly Invitae), Labcorp); PubMed 26653794 (cited by Labcorp Genetics (formerly Invitae), Labcorp).

NM_019032.6(ADAMTSL4):c.2593C>T (p.Arg865Cys)

Gene: ADAMTSL4 (ADAMTS like 4; plus strand). Cytogenetic location: 1q21.2.
Variant type: single nucleotide variant.
Coding change: c.2593C>T on transcript NM_019032.6 (MANE Select); coding-DNA position 2593, C replaced by T.
Protein change: p.Arg865Cys; replaces arginine 865 with cysteine.
Molecular consequence: missense variant.
Genome position (GRCh38, 1-based): chr1:150,558,995, C>T. VCF-style: chr1-150558995-C-T. GRCh37 (hg19) VCF-style: chr1-150531471-C-T.
Other names: c.2476C>T, p.Arg826Cys (NM_001288607.2); c.2662C>T, p.Arg888Cys (NM_001288608.2); c.2593C>T, p.Arg865Cys (NM_001378596.1); short protein forms R826C, R865C, R888C.
Identifiers: ClinVar variation 4692210 (VCV004692210.2).